The following is an entry in ClinVar:

ClinVar aggregate classification (germline): Uncertain significance (1 of 4 stars; one submission).

Allele frequency attached by ClinVar (database versions not stated): gnomAD exomes below 0.00001.
gnomAD v4.1: 1 of 1,606,844 alleles (0.000062%); highest among the groups gnomAD compares: Non-Finnish European, 0.000085%; no homozygotes.

Submission:

Labcorp Genetics (formerly Invitae), Labcorp
Classification: Uncertain significance. Last evaluated: 2023-06-26. Review status: criteria provided, single submitter. Criteria: Invitae Variant Classification Sherloc (09022015). Collection method: clinical testing. Allele origin: germline.
Comment: This sequence change replaces serine, which is neutral and polar, with phenylalanine, which is neutral and non-polar, at codon 98 of the TRPV3 protein (p.Ser98Phe). This variant is not present in population databases (gnomAD no frequency). In summary, the available evidence is currently insufficient to determine the role of this variant in disease. Therefore, it has been classified as a Variant of Uncertain Significance. Algorithms developed to predict the effect of missense changes on protein structure and function output the following: SIFT: "Not Available"; PolyPhen-2: "Benign"; Align-GVGD: "Not Available". The phenylalanine amino acid residue is found in multiple mammalian species, which suggests that this missense change does not adversely affect protein function. This variant has not been reported in the literature in individuals affected with TRPV3-related conditions.

NM_145068.4(TRPV3):c.293C>T (p.Ser98Phe)

Gene: TRPV3 (transient receptor potential cation channel subfamily V member 3; minus strand). Cytogenetic location: 17p13.2.
Variant type: single nucleotide variant.
Coding change: c.293C>T on transcript NM_145068.4 (MANE Select); coding-DNA position 293, C replaced by T.
Protein change: p.Ser98Phe; replaces serine 98 with phenylalanine.
Molecular consequence: missense variant.
Genome position (GRCh38, 1-based): chr17:3,544,597, G>A on the plus strand (C>T on the coding strand, the complement: TRPV3 is on the minus strand). VCF-style: chr17-3544597-G-A. GRCh37 (hg19) VCF-style: chr17-3447891-G-A.
Other names: c.293C>T, p.Ser98Phe (NM_001258205.2); short protein forms S98F.
Identifiers: ClinVar variation 2727498 (VCV002727498.3), dbSNP rs2543736043, ClinGen allele CA397689571.